The following is an entry in ClinVar:

NM_170606.3(KMT2C):c.4602G>T (p.Gln1534His)

Gene: KMT2C (lysine methyltransferase 2C; minus strand). Cytogenetic location: 7q36.1.
Variant type: single nucleotide variant.
Coding change: c.4602G>T on transcript NM_170606.3 (MANE Select); coding-DNA position 4602, G replaced by T.
Protein change: p.Gln1534His; replaces glutamine 1534 with histidine.
Molecular consequence: missense variant.
Genome position (GRCh38, 1-based): chr7:152,194,067, C>A on the plus strand (G>T on the coding strand, the complement: KMT2C is on the minus strand). VCF-style: chr7-152194067-C-A. GRCh37 (hg19) VCF-style: chr7-151891152-C-A.
Other names: short protein forms Q1534H.
Identifiers: ClinVar variation 1299248 (VCV001299248.5), dbSNP rs992987667, ClinGen allele CA169222781.

ClinVar aggregate classification (germline): Conflicting classifications of pathogenicity. Review status: criteria provided, conflicting classifications (1 of 4 stars). 3 submissions from 3 submitters: Uncertain significance (2); Benign (1). Last evaluated 2024-05-06.

Conditions:
Kleefstra syndrome 2 (KLEFS2). Identifiers: MedGen C4540395, MONDO:0054701, OMIM 617768.

gnomAD v4.1: 5 of 1,593,674 alleles (0.00031%); highest among the groups gnomAD compares: Admixed American, 0.0055%; no homozygotes.

Submissions (3):

Labcorp Genetics (formerly Invitae), Labcorp
Classification: Benign. Last evaluated: 2024-05-06. Review status: criteria provided, single submitter. Criteria: Invitae Variant Classification Sherloc (09022015). Collection method: clinical testing. Allele origin: germline.

Mendelics
Classification: Uncertain significance. Last evaluated: 2022-05-04. Review status: criteria provided, single submitter. Criteria: Mendelics Assertion Criteria 2019. Collection method: clinical testing. Allele origin: germline.

Breda Genetics srl
Classification: Uncertain significance for Kleefstra syndrome 2. Last evaluated: 2021-02-03. Review status: criteria provided, single submitter. Criteria: ACMG Guidelines, 2015. Collection method: clinical testing. Allele origin: inherited. Inheritance: Autosomal dominant inheritance. Affected: yes. Observed: 1 variant allele, 1 heterozygote.
Comment: Based on allele frequency, in-silico prediction scores and a certain overlap with the clinical phenotype, we interpreted this variant at least as of uncertain significance. The lack of one or more of the following features has discouraged further investigations: lack of a possible second hit in autosomal recessive conditions, presence of healthy controls in databases for autosomal dominant conditions, presence of unmatching cardinal clinical features in the patient or in the known gene-disease association, and/or variant type outside the known gene mutational spectrum.